The following is an entry in ClinVar:

NM_001009944.3(PKD1):c.8194C>T (p.Arg2732Trp)

Gene: PKD1 (polycystin 1, transient receptor potential channel interacting; minus strand). Cytogenetic location: 16p13.3.
Variant type: single nucleotide variant.
Coding change: c.8194C>T on transcript NM_001009944.3 (MANE Select); coding-DNA position 8194, C replaced by T.
Protein change: p.Arg2732Trp; replaces arginine 2732 with tryptophan.
Molecular consequence: missense variant.
Genome position (GRCh38, 1-based): chr16:2,103,863, G>A on the plus strand (C>T on the coding strand, the complement: PKD1 is on the minus strand). VCF-style: chr16-2103863-G-A. GRCh37 (hg19) VCF-style: chr16-2153864-G-A.
Other names: c.8194C>T, p.Arg2732Trp (NM_000296.4); c.8194C>T (NM_001009944.2); short protein forms R2732W.
Identifiers: ClinVar variation 618814 (VCV000618814.13), dbSNP rs751031560, ClinGen allele CA7830619.
Genomic context (GRCh38, chr16:2,103,863, plus strand): 5'-CCTGGGACGCCACCATCCGAGATGGTGACTCGGCTCCCAGCTCTGAGGGCTGTGGTGCCC[G>A]CACGTCCGAGCTGGCCAGGTGGATGAGGTCTCCTGCAGACATGCGTGAGGTCAGTGCAGA-3'
Protein context (NP_001009944.3, residues 2722-2742): DLIHLASSDV[Arg2732Trp]APQPSELGAE

ClinVar aggregate classification (germline): Conflicting classifications of pathogenicity. Review status: criteria provided, conflicting classifications (1 of 4 stars). 6 submissions from 6 submitters: Uncertain significance (5); Likely benign (1). Last evaluated 2026-06-24.

Conditions:
Congenital anomaly of kidney and urinary tract. Also called: Congenital anomalies of kidney and urinary tract; Congenital anomalies of the kidney and urinary tract. Identifiers: Orphanet 93545, MedGen C1968949, MeSH C566906, MONDO:0019719.
Inborn genetic diseases. Identifiers: MedGen C0950123, MeSH D030342.
PKD1-related disorder. Also called: PKD1-related condition.
Polycystic kidney disease, adult type (PKD1). Also called: POLYCYSTIC KIDNEY DISEASE, ADULT, TYPE I; Polycystic Kidney, Autosomal Dominant; Polycystic Kidney Disease 1, Autosomal Dominant; Polycystic kidney disease 1; Polycystic kidney disease 1, severe; POLYCYSTIC KIDNEY DISEASE 1 WITH OR WITHOUT POLYCYSTIC LIVER DISEASE. Identifiers: MedGen C3149841, MONDO:0008263, OMIM 173900.

Allele frequency attached by ClinVar (database versions not stated): TOPMed 0.00007; gnomAD 0.00008 and 0.00009; gnomAD exomes 0.00013 and 0.00002; ExAC 0.00006.
gnomAD v4.1: 197 of 1,602,146 alleles (0.012%); highest among the groups gnomAD compares: Non-Finnish European, 0.016%; no homozygotes.

Submissions (6):

PreventionGenetics, part of Exact Sciences
Classification: Uncertain significance for PKD1-related condition. Last evaluated: 2026-06-24. Review status: criteria provided, single submitter. Criteria: ACMG Guidelines, 2015. Collection method: clinical testing. Allele origin: germline.
Comment: The PKD1 c.8194C>T variant is predicted to result in the amino acid substitution p.Arg2732Trp. To our knowledge, this variant has not been reported in the literature. This variant is reported in 0.0049% of alleles in individuals of European (Non-Finnish) descent in gnomAD. Although we suspect that this variant may be benign, at this time, the clinical significance of this variant is uncertain due to the absence of conclusive functional and genetic evidence.

GeneDx
Classification: Uncertain significance. Last evaluated: 2025-04-23. Review status: criteria provided, single submitter. Criteria: GeneDx Variant Classification Process June 2021. Collection method: clinical testing. Allele origin: germline. Affected: yes.
Comment: In silico analysis indicates that this missense variant does not alter protein structure/function; Has not been previously published as pathogenic or benign to our knowledge

Ambry Genetics
Classification: Likely benign for Inborn genetic diseases. Last evaluated: 2024-07-27. Review status: criteria provided, single submitter. Criteria: Ambry Variant Classification Scheme 2023. Collection method: clinical testing. Allele origin: germline.

Fulgent Genetics
Classification: Uncertain significance for Polycystic kidney disease, adult type. Last evaluated: 2021-12-15. Review status: criteria provided, single submitter. Criteria: ACMG Guidelines, 2015. Collection method: clinical testing. Allele origin: unknown.

Cambridge Genomics Laboratory, East Genomic Laboratory Hub, NHS Genomic Medicine Service
Classification: Uncertain significance for Congenital anomaly of kidney and urinary tract. Last evaluated: 2020-04-29. Review status: criteria provided, single submitter. Criteria: ACGS Best Practice Guidelines for Variant Classification in Rare Disease 2020. Collection method: clinical testing. Allele origin: germline. Affected: yes. Observed: 1 variant allele.

ARUP Laboratories, Molecular Genetics and Genomics, ARUP Laboratories
Classification: Uncertain significance. Last evaluated: 2017-11-28. Review status: criteria provided, single submitter. Criteria: ARUP Molecular Germline Variant Investigation Process. Collection method: clinical testing. Allele origin: germline.
Comment: The PKD1 c.8194C>T, p.Arg2732Trp variant (rs751031560) has not been reported in the medical literature, nor listed in gene-specific variant databases. It is observed twice in the Genome Aggregation Database general population database (2/30230 alleles). The arginine at position 2732 is weakly conserved, but computational algorithms (Align GVGD: C0; Mutation Taster: polymorphism; PolyPhen-2: possibly damaging; SIFT: damaging) are inconclusive on the variant's impact on PKD1 protein structure or function. Due to the limited information regarding the p.Arg2732Trp variant, its clinical significance could not be determined with certainty.